The following is an entry in ClinVar:

NM_000264.5(PTCH1):c.155G>T (p.Arg52Leu)

Genes: PTCH1 (patched 1; minus strand), LOC130002133 (ATAC-STARR-seq lymphoblastoid silent region 20071; plus strand). Cytogenetic location: 9q22.32.
Variant type: single nucleotide variant.
Coding change: c.155G>T on transcript NM_000264.5 (MANE Select); coding-DNA position 155, G replaced by T.
Protein change: p.Arg52Leu; replaces arginine 52 with leucine.
Molecular consequence: missense variant. On other transcripts: non-coding transcript variant (1), intron variant (3).
Genome position (GRCh38, 1-based): chr9:95,508,207, C>A on the plus strand (G>T on the coding strand, the complement: PTCH1 is on the minus strand). VCF-style: chr9-95508207-C-A. GRCh37 (hg19) VCF-style: chr9-98270489-C-A.
Other names: c.155G>T, p.Arg52Leu (NM_001354918.2); c.199-1608G>T (NM_001083603.3); c.4-1608G>T (NM_001083602.3, NM_001354919.2); short protein forms R52L.
Identifiers: ClinVar variation 3230942 (VCV003230942.1), dbSNP rs777207639, ClinGen allele CA374121336.

ClinVar aggregate classification (germline): Uncertain significance (1 of 4 stars; one submission).

Conditions:
Hereditary cancer-predisposing syndrome. Also called: Neoplastic Syndromes, Hereditary; Tumor predisposition; Hereditary neoplastic syndrome; Hereditary Cancer Syndrome. Identifiers: Orphanet 140162, MedGen C0027672, MeSH D009386, MONDO:0015356.

Submission:

Ambry Genetics
Classification: Uncertain significance for Hereditary cancer-predisposing syndrome. Last evaluated: 2024-01-11. Review status: criteria provided, single submitter. Criteria: Ambry Variant Classification Scheme 2023. Collection method: clinical testing. Allele origin: germline.
Comment: The p.R52L variant (also known as c.155G>T), located in coding exon 1 of the PTCH1 gene, results from a G to T substitution at nucleotide position 155. The arginine at codon 52 is replaced by leucine, an amino acid with dissimilar properties. This amino acid position is conserved. In addition, this alteration is predicted to be deleterious by in silico analysis. Since supporting evidence is limited at this time, the clinical significance of this alteration remains unclear.